The following is an entry in ClinVar:

NM_001305581.2(LRMDA):c.259A>G (p.Ile87Val)

Gene: LRMDA (leucine rich melanocyte differentiation associated; plus strand). Cytogenetic location: 10q22.3.
Variant type: single nucleotide variant.
Coding change: c.259A>G on transcript NM_001305581.2 (MANE Select); coding-DNA position 259, A replaced by G.
Protein change: p.Ile87Val; replaces isoleucine 87 with valine.
Molecular consequence: missense variant. On other transcripts: non-coding transcript variant (1).
Genome position (GRCh38, 1-based): chr10:76,047,164, A>G. VCF-style: chr10-76047164-A-G. GRCh37 (hg19) VCF-style: chr10-77806922-A-G.
Other names: c.175A>G, p.Ile59Val (NM_032024.5); short protein forms I59V, I87V.
Identifiers: ClinVar variation 2080346 (VCV002080346.4), dbSNP rs756549946, ClinGen allele CA5567570.

ClinVar aggregate classification (germline): Uncertain significance (1 of 4 stars; one submission).

Allele frequency attached by ClinVar (database versions not stated): gnomAD exomes below 0.00001; ExAC 0.00001.
gnomAD v4.1: 6 of 1,614,022 alleles (0.00037%); highest among the groups gnomAD compares: South Asian, 0.0055%; no homozygotes.

Submission:

Labcorp Genetics (formerly Invitae), Labcorp
Classification: Uncertain significance. Last evaluated: 2022-01-11. Review status: criteria provided, single submitter. Criteria: Invitae Variant Classification Sherloc (09022015). Collection method: clinical testing. Allele origin: germline.
Comment: This variant is present in population databases (rs756549946, gnomAD 0.007%). This sequence change replaces isoleucine, which is neutral and non-polar, with valine, which is neutral and non-polar, at codon 59 of the C10orf11 protein (p.Ile59Val). This variant has not been reported in the literature in individuals affected with C10orf11-related conditions. Algorithms developed to predict the effect of missense changes on protein structure and function are either unavailable or do not agree on the potential impact of this missense change (SIFT: "Tolerated"; PolyPhen-2: "Possibly Damaging"; Align-GVGD: "Class C0"). In summary, the available evidence is currently insufficient to determine the role of this variant in disease. Therefore, it has been classified as a Variant of Uncertain Significance.